The following is an entry in ClinVar:

NC_000004.11:g.(?_151738256)_(151738429_?)dup

Gene: LRBA (LPS responsive beige-like anchor protein; minus strand). Cytogenetic location: 4q31.3.
Variant type: Duplication.
Identifiers: ClinVar variation 3246681 (VCV003246681.1).

ClinVar aggregate classification (germline): Likely pathogenic (1 of 4 stars; one submission).

Conditions:
Combined immunodeficiency due to LRBA deficiency. Also called: Common variable immunodeficiency 8, with autoimmunity. Identifiers: Orphanet 445018, MedGen C3553512, MONDO:0013863, OMIM 614700.

Submission:

Labcorp Genetics (formerly Invitae), Labcorp
Classification: Likely pathogenic for Combined immunodeficiency due to LRBA deficiency. Last evaluated: 2023-06-04. Review status: criteria provided, single submitter. Criteria: Invitae Variant Classification Sherloc (09022015). Collection method: clinical testing. Allele origin: unknown.
Comment: In summary, the currently available evidence indicates that the variant is pathogenic, but additional data are needed to prove that conclusively. Therefore, this variant has been classified as Likely Pathogenic. This variant has not been reported in the literature in individuals affected with LRBA-related conditions. This variant results in a copy number gain of the genomic region encompassing exon(s) 31 of the LRBA gene. While the exact position of this variant cannot be determined from the data, sub-genic copy number gains are generally in tandem (PMID: 25640679). This variant is predicted to be out-of-frame, and may result in an absent or disrupted protein product. Loss-of-function variants in LRBA are known to be pathogenic (PMID: 26206937, 26768763).

Literature cited by the submitters: PubMed 25640679; PubMed 26206937; PubMed 26768763.